The following is an entry in ClinVar:

NM_002890.3(RASA1):c.23G>T (p.Ser8Ile)

Gene: RASA1 (RAS p21 protein activator 1; plus strand). Cytogenetic location: 5q14.3.
Variant type: single nucleotide variant.
Coding change: c.23G>T on transcript NM_002890.3 (MANE Select); coding-DNA position 23, G replaced by T.
Protein change: p.Ser8Ile; replaces serine 8 with isoleucine.
Molecular consequence: missense variant.
Genome position (GRCh38, 1-based): chr5:87,268,474, G>T. VCF-style: chr5-87268474-G-T. GRCh37 (hg19) VCF-style: chr5-86564291-G-T.
Other names: short protein forms S8I.
Identifiers: ClinVar variation 2624991 (VCV002624991.2), dbSNP rs1479481218, ClinGen allele CA360416628.

ClinVar aggregate classification (germline): Uncertain significance (1 of 4 stars; one submission).

Conditions:
Cardiovascular phenotype. Identifiers: MedGen CN230736.

Allele frequency attached by ClinVar (database versions not stated): gnomAD exomes below 0.00001.
gnomAD v4.1: 3 of 1,552,610 alleles (0.00019%); highest among the groups gnomAD compares: Non-Finnish European, 0.00017%; no homozygotes.

Submission:

Ambry Genetics
Classification: Uncertain significance for Cardiovascular phenotype. Last evaluated: 2023-07-03. Review status: criteria provided, single submitter. Criteria: Ambry Variant Classification Scheme 2023. Collection method: clinical testing. Allele origin: germline.
Comment: The p.S8I variant (also known as c.23G>T), located in coding exon 1 of the RASA1 gene, results from a G to T substitution at nucleotide position 23. The serine at codon 8 is replaced by isoleucine, an amino acid with dissimilar properties. This amino acid position is conserved. In addition, this alteration is predicted to be tolerated by in silico analysis. Since supporting evidence is limited at this time, the clinical significance of this alteration remains unclear.